The following is an entry in ClinVar:

ClinVar aggregate classification (germline): Uncertain significance (1 of 4 stars; one submission).

Conditions:
Cardiovascular phenotype. Identifiers: MedGen CN230736.

Submission:

Ambry Genetics
Classification: Uncertain significance for Cardiovascular phenotype. Last evaluated: 2026-09-11. Review status: criteria provided, single submitter. Criteria: Ambry Variant Classification Scheme 2023. Collection method: clinical testing. Allele origin: germline.
Comment: The p.K2369Q variant (also known as c.7105A>C), located in coding exon 26 of the APOB gene, results from an A to C substitution at nucleotide position 7105. The lysine at codon 2369 is replaced by glutamine, an amino acid with similar properties. This amino acid position is conserved. In addition, this alteration is predicted to be tolerated by in silico analysis. Based on the available evidence, the clinical significance of this variant remains unclear.

NM_000384.3(APOB):c.7105A>C (p.Lys2369Gln)

Gene: APOB (apolipoprotein B; minus strand). Cytogenetic location: 2p24.1.
Variant type: single nucleotide variant.
Coding change: c.7105A>C on transcript NM_000384.3 (MANE Select); coding-DNA position 7105, A replaced by C.
Protein change: p.Lys2369Gln; replaces lysine 2369 with glutamine.
Molecular consequence: missense variant.
Genome position (GRCh38, 1-based): chr2:21,009,763, T>G on the plus strand (A>C on the coding strand, the complement: APOB is on the minus strand). VCF-style: chr2-21009763-T-G. GRCh37 (hg19) VCF-style: chr2-21232635-T-G.
Other names: short protein forms K2369Q.
Identifiers: ClinVar variation 3885726 (VCV003885726.2).